The following is an entry in ClinVar:

NM_033453.4(ITPA):c.488+1G>A

Gene: ITPA (inosine triphosphatase; plus strand). Cytogenetic location: 20p13.
Variant type: single nucleotide variant.
Coding change: c.488+1G>A on transcript NM_033453.4 (MANE Select); the canonical splice donor site of the intron after coding-DNA position 488, G replaced by A.
Molecular consequence: splice donor variant. On other transcripts: intron variant (1).
Genome position (GRCh38, 1-based): chr20:3,221,918, G>A. VCF-style: chr20-3221918-G-A. GRCh37 (hg19) VCF-style: chr20-3202564-G-A.
Other names: c.151+1G>A (NM_001324237.2, NM_001324238.2, NM_001324236.2 and 1 more transcripts); c.411+3286G>A (NM_001324240.2); c.365+1G>A (NM_001267623.2); c.437+1G>A (NM_181493.4).
Identifiers: ClinVar variation 804163 (VCV000804163.7), dbSNP rs1380443187, ClinGen allele CA408081041.
Genomic context (GRCh38, chr20:3,221,918, plus strand): 5'-CAGAGGCTGCCAGGACTTTGGCTGGGACCCCTGCTTTCAGCCTGATGGATATGAGCAGAC[G>A]TAAGGAGCCCTGCTTTTCTTCCCTGGGGTGTGGGGTTGGTACAGCCATGGTTTGGGTTGG-3'

ClinVar aggregate classification (germline): Conflicting classifications of pathogenicity. Review status: criteria provided, conflicting classifications (1 of 4 stars). 4 submissions from 4 submitters: Pathogenic (3); Uncertain significance (1). Last evaluated 2025-09-24.

Conditions:
Inosine triphosphatase deficiency. Also called: INOSINE TRIPHOSPHATE PYROPHOSPHOHYDROLASE DEFICIENCY. Identifiers: MedGen C0342800, MONDO:0013461, OMIM 613850.
Developmental and epileptic encephalopathy, 35 (DEE35). Also called: Epileptic encephalopathy, early infantile, 35. Identifiers: Orphanet 457375, MedGen C4225256, MONDO:0014719, OMIM 616647.

Allele frequency attached by ClinVar (database versions not stated): gnomAD 0.00001; gnomAD exomes 0.00001; TOPMed 0.00001.
gnomAD v4.1: 4 of 1,613,518 alleles (0.00025%); highest among the groups gnomAD compares: East Asian, 0.0067%; no homozygotes.

Submissions (4):

Genesolutions, Medical Genetics Institutes, Ho Chi Minh City, Vietnam
Classification: Pathogenic for Developmental and epileptic encephalopathy, 35. Last evaluated: 2025-09-24. Review status: criteria provided, single submitter. Criteria: ACMG Guidelines, 2015. Collection method: clinical testing. Allele origin: germline. Affected: yes.

Labcorp Genetics (formerly Invitae), Labcorp
Classification: Uncertain significance for Inosine triphosphatase deficiency. Last evaluated: 2023-01-23. Review status: criteria provided, single submitter. Criteria: Invitae Variant Classification Sherloc (09022015). Collection method: clinical testing. Allele origin: germline.
Comment: This sequence change affects a donor splice site in intron 7 of the ITPA gene. While this variant is not anticipated to result in nonsense mediated decay, it likely alters RNA splicing and results in a disrupted protein product. In summary, the available evidence is currently insufficient to determine the role of this variant in disease. Therefore, it has been classified as a Variant of Uncertain Significance. This variant disrupts a region of the ITPA protein in which other variant(s) (p.Arg178Cys) have been observed in individuals with ITPA-related conditions (PMID: 26224535, 34989426). This suggests that this is a clinically significant region of the protein, and that variants that disrupt it are likely to be disease-causing. Variants that disrupt the consensus splice site are a relatively common cause of aberrant splicing (PMID: 17576681, 9536098). Algorithms developed to predict the effect of sequence changes on RNA splicing suggest that this variant may disrupt the consensus splice site. ClinVar contains an entry for this variant (Variation ID: 804163). Disruption of this splice site has been observed in individual(s) with clinical features of inosine triphosphatase deficiency (Invitae). This variant is present in population databases (no rsID available, gnomAD 0.01%).

GeneDx
Classification: Pathogenic. Last evaluated: 2021-07-07. Review status: criteria provided, single submitter. Criteria: GeneDx Variant Classification Process June 2021. Collection method: clinical testing. Allele origin: germline. Affected: yes.
Comment: Canonical splice site variant in a gene for which loss-of-function is a known mechanism of disease; This variant is associated with the following publications: (PMID: 27535533)

Mendelics
Classification: Pathogenic for Inosine triphosphatase deficiency. Last evaluated: 2019-05-28. Review status: criteria provided, single submitter. Criteria: Mendelics Assertion Criteria 2017. Collection method: clinical testing. Allele origin: unknown.

Literature cited by the submitters: PubMed 26224535 (cited by Labcorp Genetics (formerly Invitae), Labcorp); PubMed 34989426 (cited by Labcorp Genetics (formerly Invitae), Labcorp); PubMed 17576681 (cited by Labcorp Genetics (formerly Invitae), Labcorp); PubMed 9536098 (cited by Labcorp Genetics (formerly Invitae), Labcorp).